The following is an entry in ClinVar:

NM_006158.5(NEFL):c.600_623dup (p.Ala207_Glu208insAspGluAlaAlaLeuAlaArgAla)

Gene: NEFL (neurofilament light chain; minus strand). Cytogenetic location: 8p21.2.
Variant type: Duplication.
Coding change: c.600_623dup on transcript NM_006158.5 (MANE Select); coding-DNA positions 600 to 623, 24 bases duplicated (CGAGGCGGCGCTCGCTCGCGCCGA).
Protein change: p.Ala207_Glu208insAspGluAlaAlaLeuAlaArgAla.
Genome position (GRCh38, 1-based): chr8:24,955,893-24,955,916, TCGGCGCGAGCGAGCGCCGCCTCG duplicated on the plus strand (CGAGGCGGCGCTCGCTCGCGCCGA on the coding strand, the reverse complement: NEFL is on the minus strand); duplicating any 24 consecutive bases within chr8:24,955,893-24,955,923 gives the same sequence; the c. name uses the placement nearest the transcript's 3' end. VCF-style (leftmost placement, unchanged base first): chr8-24955892-C-CTCGGCGCGAGCGAGCGCCGCCTCG. GRCh37 (hg19) VCF-style: chr8-24813406-C-CTCGGCGCGAGCGAGCGCCGCCTCG.
Identifiers: ClinVar variation 3654785 (VCV003654785.2).

ClinVar aggregate classification (germline): Uncertain significance (1 of 4 stars; one submission).

Conditions:
Charcot-Marie-Tooth disease type 2E (CMT2E). Also called: CHARCOT-MARIE-TOOTH DISEASE, AXONAL, TYPE 2E; CHARCOT-MARIE-TOOTH NEUROPATHY, TYPE 2E. Identifiers: Orphanet 99939, MedGen C1843225, MONDO:0011894, OMIM 607684.

Submission:

Labcorp Genetics (formerly Invitae), Labcorp
Classification: Uncertain significance for Charcot-Marie-Tooth disease type 2E. Last evaluated: 2024-05-27. Review status: criteria provided, single submitter. Criteria: Invitae Variant Classification Sherloc (09022015). Collection method: clinical testing. Allele origin: germline.
Comment: This variant, c.600_623dup, results in the insertion of 8 amino acid(s) of the NEFL protein (p.Asp200_Ala207dup), but otherwise preserves the integrity of the reading frame. This variant is not present in population databases (gnomAD no frequency). This variant has not been reported in the literature in individuals affected with NEFL-related conditions. In summary, the available evidence is currently insufficient to determine the role of this variant in disease. Therefore, it has been classified as a Variant of Uncertain Significance.